The following is an entry in ClinVar:

ClinVar aggregate classification (germline): Uncertain significance (1 of 4 stars; one submission).

gnomAD v4.1: 6 of 1,209,172 alleles (0.0005%); highest among the groups gnomAD compares: African/African-American, 0.011%; no homozygotes.

Submission:

Labcorp Genetics (formerly Invitae), Labcorp
Classification: Uncertain significance. Last evaluated: 2025-02-07. Review status: criteria provided, single submitter. Criteria: Invitae Variant Classification Sherloc (09022015). Collection method: clinical testing. Allele origin: germline.
Comment: This sequence change replaces isoleucine, which is neutral and non-polar, with valine, which is neutral and non-polar, at codon 1728 of the BRWD3 protein (p.Ile1728Val). This variant is present in population databases (rs764461771, gnomAD 0.008%). This variant has not been reported in the literature in individuals affected with BRWD3-related conditions. Invitae Evidence Modeling of protein sequence and biophysical properties (such as structural, functional, and spatial information, amino acid conservation, physicochemical variation, residue mobility, and thermodynamic stability) indicates that this missense variant is not expected to disrupt BRWD3 protein function with a negative predictive value of 80%. In summary, the available evidence is currently insufficient to determine the role of this variant in disease. Therefore, it has been classified as a Variant of Uncertain Significance.

NM_153252.5(BRWD3):c.5182A>G (p.Ile1728Val)

Gene: BRWD3 (bromodomain and WD repeat domain containing 3; minus strand). Cytogenetic location: Xq21.1.
Variant type: single nucleotide variant.
Coding change: c.5182A>G on transcript NM_153252.5 (MANE Select); coding-DNA position 5182, A replaced by G.
Protein change: p.Ile1728Val; replaces isoleucine 1728 with valine.
Molecular consequence: missense variant.
Genome position (GRCh38, 1-based): chrX:80,676,836, T>C on the plus strand (A>G on the coding strand, the complement: BRWD3 is on the minus strand). VCF-style: chrX-80676836-T-C. GRCh37 (hg19) VCF-style: chrX-79932335-T-C.
Other names: c.5032A>G, p.Ile1678Val (NM_001441339.1); short protein forms I1728V, I1678V.
Identifiers: ClinVar variation 4690524 (VCV004690524.1).